The following is an entry in ClinVar:

NM_002250.3(KCNN4):c.150G>A (p.Gly50=)

Gene: KCNN4 (potassium calcium-activated channel subfamily N member 4; minus strand). Cytogenetic location: 19q13.31.
Variant type: single nucleotide variant.
Coding change: c.150G>A on transcript NM_002250.3 (MANE Select); coding-DNA position 150, G replaced by A.
Protein change: p.Gly50=; no amino-acid change (glycine 50 retained).
Molecular consequence: synonymous variant.
Genome position (GRCh38, 1-based): chr19:43,780,712, C>T on the plus strand (G>A on the coding strand, the complement: KCNN4 is on the minus strand). VCF-style: chr19-43780712-C-T. GRCh37 (hg19) VCF-style: chr19-44284864-C-T.
Identifiers: ClinVar variation 3048519 (VCV003048519.4), dbSNP rs200169896, ClinGen allele CA9492097.

ClinVar aggregate classification (germline): Likely benign. Review status: criteria provided, multiple submitters, no conflicts (2 of 4 stars). 3 submissions from 3 submitters: Likely benign (2). 1 of the submissions does not count toward it. Last evaluated 2025-11-21.

Conditions:
KCNN4-related disorder. Also called: KCNN4-related condition.

Allele frequency attached by ClinVar (database versions not stated): ESP Exome Variant Server 0.00008; 1000 Genomes Project 30x 0.00078; 1000 Genomes Project 0.00100.

Submissions (3):

Labcorp Genetics (formerly Invitae), Labcorp
Classification: Likely benign. Last evaluated: 2025-11-21. Review status: criteria provided, single submitter. Criteria: Invitae Variant Classification Sherloc (09022015). Collection method: clinical testing. Allele origin: germline.

Blueprint Genetics
Classification: Likely benign. Last evaluated: 2024-07-26. Review status: criteria provided, single submitter. Criteria: ACMG Guidelines, 2015. Collection method: clinical testing. Allele origin: germline.

PreventionGenetics, part of Exact Sciences
Classification: Likely benign for KCNN4-related condition. Last evaluated: 2019-02-21. Review status: no assertion criteria provided. Collection method: clinical testing. Allele origin: germline. Not counted in ClinVar's aggregate classification.
Comment: This variant is classified as likely benign based on ACMG/AMP sequence variant interpretation guidelines (Richards et al. 2015 PMID: 25741868, with internal and published modifications).